The following is an entry in ClinVar:

ClinVar aggregate classification (germline): Conflicting classifications of pathogenicity. Review status: criteria provided, conflicting classifications (1 of 4 stars). 2 submissions from 2 submitters: Uncertain significance (1); Likely benign (1). Last evaluated 2025-12-29.

Conditions:
Neuropathy, hereditary sensory, type 2C. Also called: KIF1A-Related HSAN2 (HSAN2C); Hereditary sensory and autonomic neuropathy type IIC. Identifiers: Orphanet 970, MedGen C3280168, MONDO:0013634, OMIM 614213.
Intellectual disability, autosomal dominant 9 (NESCAVS). Also called: NESCAV SYNDROME; KIF1A-Related Neurodevelopmental Disorder. Identifiers: Orphanet 662367, MedGen C5393830, MONDO:0013656, OMIM 614255.
Hereditary spastic paraplegia 30. Identifiers: Orphanet 101010, MedGen C5235139, MONDO:0012476.
KIF1A-related disorder. Also called: KIF1A-related disorders; KIF1A-related condition.

Allele frequency attached by ClinVar (database versions not stated): gnomAD 0.00001; TOPMed 0.00001.
gnomAD v4.1: 9 of 1,578,370 alleles (0.00057%); highest among the groups gnomAD compares: South Asian, 0.0012%; no homozygotes.

Submissions (2):

PreventionGenetics, part of Exact Sciences
Classification: Uncertain significance for KIF1A-related condition. Last evaluated: 2025-12-29. Review status: criteria provided, single submitter. Criteria: ACMG Guidelines, 2015. Collection method: clinical testing. Allele origin: germline.
Comment: The KIF1A c.4852G>A variant is predicted to result in the amino acid substitution p.Gly1618Ser. To our knowledge, this variant has not been reported in the literature. This variant is reported in 0.0023% of alleles in individuals of European (non-Finnish) descent in gnomAD. At this time, the clinical significance of this variant is uncertain due to the absence of conclusive functional and genetic evidence.

Labcorp Genetics (formerly Invitae), Labcorp
Classification: Likely benign for Hereditary spastic paraplegia 30; Neuropathy, hereditary sensory, type 2C; Intellectual disability, autosomal dominant 9. Last evaluated: 2023-08-10. Review status: criteria provided, single submitter. Criteria: Invitae Variant Classification Sherloc (09022015). Collection method: clinical testing. Allele origin: germline.

NM_001244008.2(KIF1A):c.4852G>A (p.Gly1618Ser)

Gene: KIF1A (kinesin family member 1A; minus strand). Cytogenetic location: 2q37.3.
Variant type: single nucleotide variant.
Coding change: c.4852G>A on transcript NM_001244008.2 (MANE Select); coding-DNA position 4852, G replaced by A.
Protein change: p.Gly1618Ser; replaces glycine 1618 with serine.
Molecular consequence: missense variant.
Genome position (GRCh38, 1-based): chr2:240,720,930, C>T on the plus strand (G>A on the coding strand, the complement: KIF1A is on the minus strand). VCF-style: chr2-240720930-C-T. GRCh37 (hg19) VCF-style: chr2-241660347-C-T.
Other names: c.4852G>A (NM_001244008.1); c.4576G>A, p.Gly1526Ser (NM_001320705.2, NM_001379649.1); c.4603G>A, p.Gly1535Ser (NM_001330289.2); c.4651G>A, p.Gly1551Ser (NM_001330290.2, NM_001379648.1); c.4927G>A, p.Gly1643Ser (NM_001379631.1); c.4828G>A, p.Gly1610Ser (NM_001379632.1); c.4825G>A, p.Gly1609Ser (NM_001379633.1, NM_001379645.1); c.4678G>A, p.Gly1560Ser (NM_001379634.1); and 8 more; short protein forms G1618S, G1526S, G1535S, G1551S, G1517S, G1516S, G1525S, G1534S.
Identifiers: ClinVar variation 644605 (VCV000644605.8), dbSNP rs777997857, ClinGen allele CA351301490.